The following is an entry in ClinVar:

NM_002519.3(NPAT):c.1924G>T (p.Val642Phe)

Gene: NPAT (nuclear protein, coactivator of histone transcription; minus strand). Cytogenetic location: 11q22.3.
Variant type: single nucleotide variant.
Coding change: c.1924G>T on transcript NM_002519.3 (MANE Select); coding-DNA position 1924, G replaced by T.
Protein change: p.Val642Phe; replaces valine 642 with phenylalanine.
Molecular consequence: missense variant.
Genome position (GRCh38, 1-based): chr11:108,173,060, C>A on the plus strand (G>T on the coding strand, the complement: NPAT is on the minus strand). VCF-style: chr11-108173060-C-A. GRCh37 (hg19) VCF-style: chr11-108043787-C-A.
Other names: c.1924G>T, p.Val642Phe (NM_001321307.1); short protein forms V642F.
Identifiers: ClinVar variation 3222500 (VCV003222500.1), dbSNP rs2496719381, ClinGen allele CA382514064.
Genomic context (GRCh38, chr11:108,173,060, plus strand): 5'-GCTCCTGTGAATTCTCAGACTTGGATGCCTGAGCTTCATTTTCTGTATGATTTAACTCAA[C>A]AGATGCTGAATCATTAGATGGTTGTTTAGTAGAAGACAGCGAATCTCCAAGATGAATTTC-3'
Protein context (NP_002510.2, residues 632-652): TKQPSNDSAS[Val642Phe]ELNHTENEAQ

ClinVar aggregate classification (germline): Uncertain significance (1 of 4 stars; one submission).

Allele frequency attached by ClinVar (database versions not stated): gnomAD exomes below 0.00001.
gnomAD v4.1: 2 of 1,614,064 alleles (0.00012%); highest among the groups gnomAD compares: Non-Finnish European, 0.00017%; no homozygotes.

Submission:

Ambry Genetics
Classification: Uncertain significance. Last evaluated: 2024-03-02. Review status: criteria provided, single submitter. Criteria: Ambry Variant Classification Scheme 2023. Collection method: clinical testing. Allele origin: germline.
Comment: The p.V642F variant (also known as c.1924G>T), located in coding exon 13 of the NPAT gene, results from a G to T substitution at nucleotide position 1924. The valine at codon 642 is replaced by phenylalanine, an amino acid with highly similar properties. This amino acid position is conserved. In addition, this alteration is predicted to be tolerated by in silico analysis. Based on the available evidence, the clinical significance of this alteration remains unclear.